The following is an entry in ClinVar:

ClinVar aggregate classification (germline): Uncertain significance (1 of 4 stars; one submission).

Submission:

GeneDx
Classification: Uncertain significance. Last evaluated: 2017-06-12. Review status: criteria provided, single submitter. Criteria: GeneDx Variant Classification (06012015). Collection method: clinical testing. Allele origin: germline. Affected: yes.
Comment: The E188G variant in the SON gene has not been reported previously as a pathogenic variant, nor as a benign variant, to our knowledge. The E188G variant is not observed in large population cohorts (Lek et al., 2016; 1000 Genomes Consortium et al., 2015; Exome Variant Server). The E188G variant is a non-conservative amino acid substitution, which is likely to impact secondary protein structure as these residues differ in polarity, charge, size and/or other properties. This substitution occurs at a position that is conserved in mammals. In silico analysis predicts this variant is probably damaging to the protein structure/function. We interpret E188G as a variant of uncertain significance.

NM_138927.4(SON):c.563A>G (p.Glu188Gly)

Gene: SON (SON DNA and RNA binding protein; plus strand). Cytogenetic location: 21q22.11.
Variant type: single nucleotide variant.
Coding change: c.563A>G on transcript NM_138927.4 (MANE Select); coding-DNA position 563, A replaced by G.
Protein change: p.Glu188Gly; replaces glutamic acid 188 with glycine.
Molecular consequence: missense variant. On other transcripts: non-coding transcript variant (1), intron variant (1).
Genome position (GRCh38, 1-based): chr21:33,549,794, A>G. VCF-style: chr21-33549794-A-G. GRCh37 (hg19) VCF-style: chr21-34922100-A-G.
Other names: c.563A>G, p.Glu188Gly (NM_001291411.2, NM_032195.3); c.244+3415A>G (NM_001291412.3); short protein forms E188G.
Identifiers: ClinVar variation 432665 (VCV000432665.2), dbSNP rs1555898033, ClinGen allele CA410151503.
Genomic context (GRCh38, chr21:33,549,794, plus strand): 5'-AGCTTCCTACAAGAGCATTTGGCCCATCTGAGACCAATGAATCCCCTGCAGTTGTGCTAG[A>G]ACCTCCTGTAGTATCAATGGAGGTATCAGAGCCACACATCTTAGAAACTCTGAAGCCAGC-3'
Protein context (NP_620305.3, residues 178-198): ETNESPAVVL[Glu188Gly]PPVVSMEVSE